The following is an entry in ClinVar:

NM_001942.4(DSG1):c.2824G>T (p.Glu942Ter)

Genes: DSG1 (desmoglein 1; plus strand), DSG1-AS1 (DSG1 antisense RNA 1; minus strand). Cytogenetic location: 18q12.1.
Variant type: single nucleotide variant.
Coding change: c.2824G>T on transcript NM_001942.4 (MANE Select); coding-DNA position 2824, G replaced by T.
Protein change: p.Glu942Ter; replaces glutamic acid 942 with a stop codon.
Molecular consequence: nonsense.
Genome position (GRCh38, 1-based): chr18:31,355,020, G>T. VCF-style: chr18-31355020-G-T. GRCh37 (hg19) VCF-style: chr18-28934983-G-T.
Other names: short protein forms E942*.
Identifiers: ClinVar variation 3684115 (VCV003684115.2).

ClinVar aggregate classification (germline): Uncertain significance (1 of 4 stars; one submission).

Submission:

Labcorp Genetics (formerly Invitae), Labcorp
Classification: Uncertain significance. Last evaluated: 2024-11-11. Review status: criteria provided, single submitter. Criteria: Invitae Variant Classification Sherloc (09022015). Collection method: clinical testing. Allele origin: germline.
Comment: This sequence change creates a premature translational stop signal (p.Glu942*) in the DSG1 gene. While this is not anticipated to result in nonsense mediated decay, it is expected to disrupt the last 108 amino acid(s) of the DSG1 protein. This variant is not present in population databases (gnomAD no frequency). This variant has not been reported in the literature in individuals affected with DSG1-related conditions. Experimental studies and prediction algorithms are not available or were not evaluated, and the functional significance of this variant is currently unknown. In summary, the available evidence is currently insufficient to determine the role of this variant in disease. Therefore, it has been classified as a Variant of Uncertain Significance.